The following is an entry in ClinVar:

NM_001035.3(RYR2):c.5410C>T (p.Leu1804Phe)

Gene: RYR2 (ryanodine receptor 2; plus strand). Cytogenetic location: 1q43.
Variant type: single nucleotide variant.
Coding change: c.5410C>T on transcript NM_001035.3 (MANE Select); coding-DNA position 5410, C replaced by T.
Protein change: p.Leu1804Phe; replaces leucine 1804 with phenylalanine.
Molecular consequence: missense variant.
Genome position (GRCh38, 1-based): chr1:237,614,538, C>T. VCF-style: chr1-237614538-C-T. GRCh37 (hg19) VCF-style: chr1-237777838-C-T.
Other names: c.5410C>T, p.Leu1804Phe (LRG_402t1); short protein forms L1804F.
Identifiers: ClinVar variation 578640 (VCV000578640.12), dbSNP rs367609940, ClinGen allele CA086883.
Genomic context (GRCh38, chr1:237,614,538, plus strand): 5'-CTGGACATCCTCAAGTCCAAAACCATACAGATGCTGACAGAAGCTGTTAAAGAGGGCAGT[C>T]TTCATGCCCGGGACCCAGTTGGAGGGACTACTGAATTCCTCTTTGTACCTCTCATCAAGC-3'
Protein context (NP_001026.2, residues 1794-1814): MLTEAVKEGS[Leu1804Phe]HARDPVGGTT

ClinVar aggregate classification (germline): Uncertain significance. Review status: criteria provided, multiple submitters, no conflicts (2 of 4 stars). 3 submissions from 3 submitters: Uncertain significance (3). Last evaluated 2025-07-14.

Conditions:
Catecholaminergic polymorphic ventricular tachycardia (CVPT). Also called: Catecholamine-induced polymorphic ventricular tachycardia. Identifiers: Orphanet 3286, MedGen C5574922, MONDO:0017990.
Cardiomyopathy (CMYO). Also called: Cardiomyopathies. Identifiers: Orphanet 167848, MedGen C0878544, MONDO:0004994, HP:0001638. Inheritance: Various modes of inheritance.
Catecholaminergic polymorphic ventricular tachycardia 1. Also called: VENTRICULAR TACHYCARDIA, CATECHOLAMINERGIC POLYMORPHIC, 1, WITH OR WITHOUT ATRIAL DYSFUNCTION AND/OR DILATED CARDIOMYOPATHY; VENTRICULAR TACHYCARDIA, STRESS-INDUCED POLYMORPHIC 1; RYR2-Related Catecholaminergic Polymorphic Ventricular Tachycardia. Identifiers: Orphanet 3286, MedGen C1631597, MONDO:0011484, OMIM 604772.

Allele frequency attached by ClinVar (database versions not stated): gnomAD exomes below 0.00001; ExAC 0.00001; gnomAD 0.00001; TOPMed 0.00001; ESP Exome Variant Server 0.00008.
gnomAD v4.1: 2 of 1,613,924 alleles (0.00012%); highest among the groups gnomAD compares: Non-Finnish European, 0.00017%; no homozygotes.

Submissions (3):

Color Diagnostics, LLC DBA Color Health
Classification: Uncertain significance for Cardiomyopathy. Last evaluated: 2025-07-14. Review status: criteria provided, single submitter. Criteria: ACMG Guidelines, 2015. Collection method: clinical testing. Allele origin: germline.
Comment: This missense variant replaces leucine with phenylalanine at codon 1804 of the RYR2 protein. Computational prediction suggests that this variant may not impact protein structure and function. To our knowledge, functional studies have not been reported for this variant. This variant has not been reported in individuals affected with RYR2-related disorders in the literature. This variant has been identified in 1/248904 chromosomes in the general population by the Genome Aggregation Database (gnomAD). The available evidence is insufficient to determine the role of this variant in disease conclusively. Therefore, this variant is classified as a Variant of Uncertain Significance.

All of Us Research Program, National Institutes of Health
Classification: Uncertain significance for Catecholaminergic polymorphic ventricular tachycardia. Last evaluated: 2024-03-05. Review status: criteria provided, single submitter. Criteria: ACMG Guidelines, 2015. Collection method: clinical testing. Allele origin: germline. Inheritance: Autosomal dominant inheritance. Observed: 2 variant alleles, 2 heterozygotes.
Comment: This study involves interpretation of variants in research participants for the purpose of population health screening. Participant phenotype was not available at the time of variant classification. Additional details can be found in publication PMID: 35346344, PMCID: PMC8962531

Labcorp Genetics (formerly Invitae), Labcorp
Classification: Uncertain significance for Catecholaminergic polymorphic ventricular tachycardia 1. Last evaluated: 2018-04-12. Review status: criteria provided, single submitter. Criteria: Invitae Variant Classification Sherloc (09022015). Collection method: clinical testing. Allele origin: germline.
Comment: In summary, the available evidence is currently insufficient to determine the role of this variant in disease. Therefore, it has been classified as a Variant of Uncertain Significance. Algorithms developed to predict the effect of missense changes on protein structure and function do not agree on the potential impact of this missense change (SIFT: "Deleterious"; PolyPhen-2: "Benign"; Align-GVGD: "Class C15"). This variant has not been reported in the literature in individuals with RYR2-related disease. This variant is present in population databases (rs367609940, ExAC 0.002%). This sequence change replaces leucine with phenylalanine at codon 1804 of the RYR2 protein (p.Leu1804Phe). The leucine residue is highly conserved and there is a small physicochemical difference between leucine and phenylalanine.